The following is an entry in ClinVar:

NM_005045.4(RELN):c.9991A>G (p.Met3331Val)

Genes: SLC26A5-AS1 (SLC26A5 antisense RNA 1; plus strand), RELN (reelin; minus strand). Cytogenetic location: 7q22.1.
Variant type: single nucleotide variant.
Coding change: c.9991A>G on transcript NM_005045.4 (MANE Select); coding-DNA position 9991, A replaced by G.
Protein change: p.Met3331Val; replaces methionine 3331 with valine.
Molecular consequence: missense variant.
Genome position (GRCh38, 1-based): chr7:103,483,843, T>C on the plus strand (A>G on the coding strand, the complement: RELN is on the minus strand). VCF-style: chr7-103483843-T-C. GRCh37 (hg19) VCF-style: chr7-103124290-T-C.
Other names: c.9991A>G, p.Met3331Val (NM_173054.3); short protein forms M3331V.
Identifiers: ClinVar variation 475998 (VCV000475998.8), dbSNP rs1554360669, ClinGen allele CA368739304.

ClinVar aggregate classification (germline): Uncertain significance (1 of 4 stars; one submission).

Conditions:
Familial temporal lobe epilepsy 7. Identifiers: Orphanet 101046, MedGen C4225327, MONDO:0014639, OMIM 616436.
Norman-Roberts syndrome (LIS2). Also called: Lissencephaly 2 (Norman-Roberts type). Identifiers: Orphanet 89844, MedGen C0796089, MONDO:0009760, OMIM 257320.

Allele frequency attached by ClinVar (database versions not stated): TOPMed below 0.00001.

Submission:

Labcorp Genetics (formerly Invitae), Labcorp
Classification: Uncertain significance for Familial temporal lobe epilepsy 7; Norman-Roberts syndrome. Last evaluated: 2017-02-01. Review status: criteria provided, single submitter. Criteria: Invitae Variant Classification Sherloc (09022015). Collection method: clinical testing. Allele origin: germline.
Comment: This sequence change replaces methionine with valine at codon 3331 of the RELN protein (p.Met3331Val). The methionine residue is highly conserved and there is a small physicochemical difference between methionine and valine. This variant is not present in population databases (ExAC no frequency) and has not been reported in the literature in individuals with a RELN-related disease. Algorithms developed to predict the effect of missense changes on protein structure and function do not agree on the potential impact of this missense change (SIFT: "Deleterious"; PolyPhen-2: "Benign"; Align-GVGD: "Class C0"). In summary, this variant is a novel missense change with uncertain impact on protein function. It has been classified as a Variant of Uncertain Significance.